The following is an entry in ClinVar:

NM_000059.4(BRCA2):c.7267_7268del (p.Cys2422_Val2423insTer)

Gene: BRCA2 (BRCA2 DNA repair associated; plus strand). Cytogenetic location: 13q13.1.
Variant type: Microsatellite.
Coding change: c.7267_7268del on transcript NM_000059.4 (MANE Select); coding-DNA positions 7267 to 7268, 2 bases deleted (GT; older notation c.7267_7268delGT).
Protein change: p.Cys2422_Val2423insTer.
Molecular consequence: nonsense.
Genome position (GRCh38, 1-based): chr13:32,355,120-32,355,121, GT deleted; deleting any 2 consecutive bases within chr13:32,355,116-32,355,121 gives the same sequence; the c. name uses the placement nearest the transcript's 3' end. VCF-style (leftmost placement, unchanged base first): chr13-32355115-AGT-A. GRCh37 (hg19) VCF-style: chr13-32929252-AGT-A.
Other names: c.7267_7268delGT (NM_000059.3).
Identifiers: ClinVar variation 859542 (VCV000859542.9), dbSNP rs2072681486, ClinGen allele CA916080533.

ClinVar aggregate classification (germline): Pathogenic. Review status: criteria provided, multiple submitters, no conflicts (2 of 4 stars). 2 submissions from 2 submitters: Pathogenic (2). Last evaluated 2025-08-27.

Conditions:
Hereditary cancer-predisposing syndrome. Also called: Tumor predisposition; Hereditary neoplastic syndrome; Neoplastic Syndromes, Hereditary; Hereditary Cancer Syndrome. Identifiers: Orphanet 140162, MedGen C0027672, MeSH D009386, MONDO:0015356.
Hereditary breast ovarian cancer syndrome. Also called: Hereditary breast and ovarian cancer; Breast and ovarian cancer; Hereditary breast and/or ovarian cancer syndrome; Hereditary breast and ovarian cancer syndrome; Hereditary breast and ovarian cancer syndrome (HBOC); BRCA1- and BRCA2-Associated Hereditary Breast and Ovarian Cancer. Identifiers: Orphanet 145, MedGen C0677776, MeSH D061325, MONDO:0003582. Disease mechanism: loss of function.

Submissions (2):

Ambry Genetics
Classification: Pathogenic for Hereditary cancer-predisposing syndrome. Last evaluated: 2025-08-27. Review status: criteria provided, single submitter. Criteria: Ambry Variant Classification Scheme 2023. Collection method: clinical testing. Allele origin: germline.
Comment: The c.7267_7268delGT pathogenic mutation, located in coding exon 13 of the BRCA2 gene, results from a deletion of two nucleotides at nucleotide positions 7267 to 7268, causing a translational frameshift with a predicted alternate stop codon (p.V2423*). This variant is considered to be rare based on population cohorts in the Genome Aggregation Database (gnomAD). This alteration is expected to result in loss of function by premature protein truncation or nonsense-mediated mRNA decay. As such, this alteration is interpreted as a disease-causing mutation.

Labcorp Genetics (formerly Invitae), Labcorp
Classification: Pathogenic for Hereditary breast ovarian cancer syndrome. Last evaluated: 2022-10-20. Review status: criteria provided, single submitter. Criteria: Invitae Variant Classification Sherloc (09022015). Collection method: clinical testing. Allele origin: germline.
Comment: ClinVar contains an entry for this variant (Variation ID: 859542). For these reasons, this variant has been classified as Pathogenic. This variant has not been reported in the literature in individuals affected with BRCA2-related conditions. This sequence change creates a premature translational stop signal (p.Val2423*) in the BRCA2 gene. It is expected to result in an absent or disrupted protein product. Loss-of-function variants in BRCA2 are known to be pathogenic (PMID: 20104584). This variant is not present in population databases (gnomAD no frequency).

Literature cited by the submitters: PubMed 20104584 (cited by Labcorp Genetics (formerly Invitae), Labcorp).